The following is an entry in ClinVar:

ClinVar aggregate classification (germline): Likely pathogenic (1 of 4 stars; one submission).

Conditions:
Hematuria. Identifiers: MedGen C0018965, HP:0000790.

Submission:

Genetics Laboratory, Great Ormond Street Hospital NHS Foundation Trust, North Thames Genomic Laboratory Hub
Classification: Likely pathogenic for Haematuria. Last evaluated: 2026-06-04. Review status: criteria provided, single submitter. Criteria: ACGS Best Practice Guidelines for Variant Classification in Rare Disease 2024 v1.2. Collection method: clinical testing. Allele origin: germline. Affected: yes.
Comment: PM2_moderate, PP3_supporting, PM1_strong

NM_000092.5(COL4A4):c.3800G>A (p.Gly1267Asp)

Gene: COL4A4 (collagen type IV alpha 4 chain; minus strand). Cytogenetic location: 2q36.3.
Variant type: single nucleotide variant.
Coding change: c.3800G>A on transcript NM_000092.5 (MANE Select); coding-DNA position 3800, G replaced by A.
Protein change: p.Gly1267Asp; replaces glycine 1267 with aspartic acid.
Molecular consequence: missense variant.
Genome position (GRCh38, 1-based): chr2:227,031,962, C>T on the plus strand (G>A on the coding strand, the complement: COL4A4 is on the minus strand). VCF-style: chr2-227031962-C-T. GRCh37 (hg19) VCF-style: chr2-227896678-C-T.
Other names: short protein forms G1267D.
Identifiers: ClinVar variation 4879963 (VCV004879963.1).